The following is an entry in ClinVar:

NM_001267550.2(TTN):c.67492C>T (p.Gln22498Ter)

Genes: TTN-AS1 (TTN antisense RNA 1; plus strand), TTN (titin; minus strand), LOC126806423 (CDK7 strongly-dependent group 2 enhancer GRCh37_chr2:179443309-179444508; plus strand). Cytogenetic location: 2q31.2.
Variant type: single nucleotide variant.
Coding change: c.67492C>T on transcript NM_001267550.2 (MANE Select); coding-DNA position 67492, C replaced by T.
Protein change: p.Gln22498Ter; replaces glutamine 22498 with a stop codon.
Molecular consequence: nonsense.
Genome position (GRCh38, 1-based): chr2:178,579,705, G>A on the plus strand (C>T on the coding strand, the complement: TTN is on the minus strand). VCF-style: chr2-178579705-G-A. GRCh37 (hg19) VCF-style: chr2-179444432-G-A.
Other names: c.62569C>T, p.Gln20857Ter (NM_001256850.1); c.40297C>T, p.Gln13433Ter (NM_003319.4); c.59788C>T, p.Gln19930Ter (NM_133378.4); c.40672C>T, p.Gln13558Ter (NM_133432.3); c.40873C>T, p.Gln13625Ter (NM_133437.4); short protein forms Q13433*, Q13558*, Q13625*, Q19930*, Q20857*, Q22498*.
Identifiers: ClinVar variation 3752735 (VCV003752735.2).

ClinVar aggregate classification (germline): Likely pathogenic (1 of 4 stars; one submission).

Conditions:
Autosomal recessive limb-girdle muscular dystrophy type 2J (LGMDR10). Also called: Limb-girdle muscular dystrophy, type 2J; MUSCULAR DYSTROPHY, LIMB-GIRDLE, AUTOSOMAL RECESSIVE 10. Identifiers: Orphanet 140922, MedGen C1837342, MONDO:0012127, OMIM 608807.
Dilated cardiomyopathy 1G (CMD1G). Identifiers: Orphanet 154, MedGen C1858763, MONDO:0011400, OMIM 604145.

Submission:

Labcorp Genetics (formerly Invitae), Labcorp
Classification: Likely pathogenic for Dilated cardiomyopathy 1G; Autosomal recessive limb-girdle muscular dystrophy type 2J. Last evaluated: 2024-04-18. Review status: criteria provided, single submitter. Criteria: Invitae Variant Classification Sherloc (09022015). Collection method: clinical testing. Allele origin: germline.
Comment: This sequence change creates a premature translational stop signal (p.Gln22498*) in the TTN gene. While this is not anticipated to result in nonsense mediated decay, it is expected to create a truncated TTN protein. This variant is not present in population databases (gnomAD no frequency). This variant has not been reported in the literature in individuals affected with TTN-related conditions. This variant is located in the A band of TTN (PMID: 25589632). Truncating variants in this region are significantly overrepresented in patients affected with dilated cardiomyopathy (PMID: 25589632). Truncating variants in this region have also been reported in individuals affected with autosomal recessive centronuclear myopathy (PMID: 23975875). In summary, the currently available evidence indicates that the variant is pathogenic, but additional data are needed to prove that conclusively. Therefore, this variant has been classified as Likely Pathogenic.

Literature cited by the submitters: PubMed 25589632; PubMed 23975875.